The following is an entry in ClinVar:

ClinVar aggregate classification (germline): Conflicting classifications of pathogenicity. Review status: criteria provided, conflicting classifications (1 of 4 stars). 2 submissions from 2 submitters: Uncertain significance (1); Likely benign (1). Last evaluated 2025-09-25.

Conditions:
Inborn genetic diseases. Identifiers: MedGen C0950123, MeSH D030342.

Allele frequency attached by ClinVar (database versions not stated): ExAC 0.00001; gnomAD 0.00001; TOPMed 0.00002.
gnomAD v4.1: 18 of 1,613,854 alleles (0.0011%); highest among the groups gnomAD compares: Middle Eastern, 0.016%; no homozygotes.

Submissions (2):

Ambry Genetics
Classification: Likely benign for Inborn genetic diseases. Last evaluated: 2025-09-25. Review status: criteria provided, single submitter. Criteria: Ambry Variant Classification Scheme 2023. Collection method: clinical testing. Allele origin: germline.

Labcorp Genetics (formerly Invitae), Labcorp
Classification: Uncertain significance. Last evaluated: 2023-04-12. Review status: criteria provided, single submitter. Criteria: Invitae Variant Classification Sherloc (09022015). Collection method: clinical testing. Allele origin: germline.
Comment: In summary, the available evidence is currently insufficient to determine the role of this variant in disease. Therefore, it has been classified as a Variant of Uncertain Significance. Algorithms developed to predict the effect of missense changes on protein structure and function output the following: SIFT: "Not Available"; PolyPhen-2: "Benign"; Align-GVGD: "Not Available". The glutamine amino acid residue is found in multiple mammalian species, which suggests that this missense change does not adversely affect protein function. This variant has not been reported in the literature in individuals affected with MACF1-related conditions. This variant is present in population databases (rs779968751, gnomAD 0.02%). This sequence change replaces arginine, which is basic and polar, with glutamine, which is neutral and polar, at codon 149 of the MACF1 protein (p.Arg149Gln).

NM_001394062.1(MACF1):c.431G>A (p.Arg144Gln)

Gene: MACF1 (microtubule actin crosslinking factor 1; plus strand). Cytogenetic location: 1p34.3.
Variant type: single nucleotide variant.
Coding change: c.431G>A on transcript NM_001394062.1 (MANE Select); coding-DNA position 431, G replaced by A.
Protein change: p.Arg144Gln; replaces arginine 144 with glutamine.
Molecular consequence: missense variant.
Genome position (GRCh38, 1-based): chr1:39,254,371, G>A. VCF-style: chr1-39254371-G-A. GRCh37 (hg19) VCF-style: chr1-39720043-G-A.
Other names: c.446G>A (NM_012090.4); c.446G>A, p.Arg149Gln (NM_012090.5); short protein forms R144Q, R149Q.
Identifiers: ClinVar variation 3020060 (VCV003020060.4), dbSNP rs779968751, ClinGen allele CA779147.